The following is an entry in ClinVar:

NM_001365951.3(KIF1B):c.680A>C (p.Gln227Pro)

Gene: KIF1B (kinesin family member 1B; plus strand). Cytogenetic location: 1p36.22.
Variant type: single nucleotide variant.
Coding change: c.680A>C on transcript NM_001365951.3 (MANE Select); coding-DNA position 680, A replaced by C.
Protein change: p.Gln227Pro; replaces glutamine 227 with proline.
Molecular consequence: missense variant.
Genome position (GRCh38, 1-based): chr1:10,268,223, A>C. VCF-style: chr1-10268223-A-C. GRCh37 (hg19) VCF-style: chr1-10328281-A-C.
Other names: c.680A>C, p.Gln227Pro (NM_001365952.1, NM_001365953.1, NM_015074.3 and 1 more transcripts); short protein forms Q227P.
Identifiers: ClinVar variation 5023203 (VCV005023203.1).

ClinVar aggregate classification (germline): Uncertain significance (1 of 4 stars; one submission).

Submission:

Ambry Genetics
Classification: Uncertain significance. Last evaluated: 2026-07-28. Review status: criteria provided, single submitter. Criteria: Ambry Variant Classification Scheme 2023. Collection method: clinical testing. Allele origin: germline.
Comment: The p.Q227P variant (also known as c.680A>C), located in coding exon 6 of the KIF1B gene, results from an A to C substitution at nucleotide position 680. The glutamine at codon 227 is replaced by proline, an amino acid with similar properties. This amino acid position is conserved. In addition, this alteration is predicted to be deleterious by in silico analysis. Based on the available evidence, the clinical significance of this variant remains unclear.